The following is an entry in ClinVar:

NM_001261826.3(AP3D1):c.2250G>A (p.Glu750=)

Gene: AP3D1 (adaptor related protein complex 3 subunit delta 1; minus strand). Cytogenetic location: 19p13.3.
Variant type: single nucleotide variant.
Coding change: c.2250G>A on transcript NM_001261826.3 (MANE Select); coding-DNA position 2250, G replaced by A.
Protein change: p.Glu750=; no amino-acid change (glutamic acid 750 retained).
Molecular consequence: synonymous variant.
Genome position (GRCh38, 1-based): chr19:2,115,318, C>T on the plus strand (G>A on the coding strand, the complement: AP3D1 is on the minus strand). VCF-style: chr19-2115318-C-T. GRCh37 (hg19) VCF-style: chr19-2115317-C-T.
Other names: c.2250G>A, p.Glu750= (NM_001374799.1, NM_003938.8).
Identifiers: ClinVar variation 755744 (VCV000755744.10), dbSNP rs778795157, ClinGen allele CA9058953.

ClinVar aggregate classification (germline): Likely benign. Review status: criteria provided, single submitter (1 of 4 stars). 2 submissions from 2 submitters: Likely benign (1). 1 of the submissions does not count toward it. Last evaluated 2026-01-26.

Conditions:
AP3D1-related disorder. Also called: AP3D1-related condition.

Allele frequency attached by ClinVar (database versions not stated): TOPMed 0.00002.
gnomAD v4.1: 77 of 1,611,624 alleles (0.0048%); highest among the groups gnomAD compares: Middle Eastern, 0.033%; no homozygotes.

Submissions (2):

Labcorp Genetics (formerly Invitae), Labcorp
Classification: Likely benign. Last evaluated: 2026-01-26. Review status: criteria provided, single submitter. Criteria: Invitae Variant Classification Sherloc (09022015). Collection method: clinical testing. Allele origin: germline.

PreventionGenetics, part of Exact Sciences
Classification: Likely benign for AP3D1-related condition. Last evaluated: 2019-06-07. Review status: no assertion criteria provided. Collection method: clinical testing. Allele origin: germline. Not counted in ClinVar's aggregate classification.
Comment: This variant is classified as likely benign based on ACMG/AMP sequence variant interpretation guidelines (Richards et al. 2015 PMID: 25741868, with internal and published modifications).